The following is an entry in ClinVar:

ClinVar aggregate classification (germline): Uncertain significance (1 of 4 stars; one submission).

Conditions:
Aortic aneurysm, familial thoracic 7 (AAT7). Also called: AORTIC DISSECTION, FAMILIAL, WITH OR WITHOUT AORTIC ANEURYSM. Identifiers: MedGen C3151077, MONDO:0013418, OMIM 613780.

Submission:

Labcorp Genetics (formerly Invitae), Labcorp
Classification: Uncertain significance for Aortic aneurysm, familial thoracic 7. Last evaluated: 2020-05-05. Review status: criteria provided, single submitter. Criteria: Invitae Variant Classification Sherloc (09022015). Collection method: clinical testing. Allele origin: germline.
Comment: This variant has not been reported in the literature in individuals with MYLK-related conditions. This sequence change replaces tyrosine with histidine at codon 1464 of the MYLK protein (p.Tyr1464His). The tyrosine residue is highly conserved and there is a moderate physicochemical difference between tyrosine and histidine. This variant is not present in population databases (ExAC no frequency). Algorithms developed to predict the effect of missense changes on protein structure and function are either unavailable or do not agree on the potential impact of this missense change (SIFT: "Deleterious"; PolyPhen-2: "Probably Damaging"; Align-GVGD: "Class C0"). In summary, the available evidence is currently insufficient to determine the role of this variant in disease. Therefore, it has been classified as a Variant of Uncertain Significance.

NM_053025.4(MYLK):c.4390T>C (p.Tyr1464His)

Gene: MYLK (myosin light chain kinase; minus strand). Cytogenetic location: 3q21.1.
Variant type: single nucleotide variant.
Coding change: c.4390T>C on transcript NM_053025.4 (MANE Select); coding-DNA position 4390, T replaced by C.
Protein change: p.Tyr1464His; replaces tyrosine 1464 with histidine.
Molecular consequence: missense variant.
Genome position (GRCh38, 1-based): chr3:123,648,996, A>G on the plus strand (T>C on the coding strand, the complement: MYLK is on the minus strand). VCF-style: chr3-123648996-A-G. GRCh37 (hg19) VCF-style: chr3-123367843-A-G.
Other names: c.3862T>C, p.Tyr1288His (NM_001321309.2); c.4183T>C, p.Tyr1395His (NM_053026.4, NM_053028.4); c.4390T>C, p.Tyr1464His (NM_053027.4); short protein forms Y1288H, Y1395H, Y1464H.
Identifiers: ClinVar variation 1063867 (VCV001063867.9), dbSNP rs2108197416, ClinGen allele CA354227470.
Genomic context (GRCh38, chr3:123,648,996, plus strand): 5'-CTGGGAGCCCAGAGGCAACTTCCCACTCCACTTACGATCCTAATCTCTCCTCAATGTCGT[A>G]GAAGTCAGATACTTTTTGTTCAGTATTGATTGTCACTGTCCGGTAATCAACCTCGGGCTC-3'
Protein context (NP_444253.3, residues 1454-1474): INTEQKVSDF[Tyr1464His]DIEERLGSGK